The following is an entry in ClinVar:

ClinVar aggregate classification (germline): Uncertain significance (1 of 4 stars; one submission).

Allele frequency attached by ClinVar (database versions not stated): ExAC 0.00002; ESP Exome Variant Server 0.00008; 1000 Genomes Project 30x 0.00031; gnomAD exomes 0.00001; gnomAD 0.00002; TOPMed 0.00002; 1000 Genomes Project 0.00020.
gnomAD v4.1: 16 of 1,605,744 alleles (0.001%); highest among the groups gnomAD compares: African/African-American, 0.008%; no homozygotes.

Submission:

Labcorp Genetics (formerly Invitae), Labcorp
Classification: Uncertain significance. Last evaluated: 2022-01-06. Review status: criteria provided, single submitter. Criteria: Invitae Variant Classification Sherloc (09022015). Collection method: clinical testing. Allele origin: germline.
Comment: This sequence change replaces alanine, which is neutral and non-polar, with threonine, which is neutral and polar, at codon 3332 of the CDH23 protein (p.Ala3332Thr). The frequency data for this variant in the population databases is considered unreliable, as metrics indicate poor data quality at this position in the gnomAD database. This variant has not been reported in the literature in individuals affected with CDH23-related conditions. Algorithms developed to predict the effect of missense changes on protein structure and function are either unavailable or do not agree on the potential impact of this missense change (SIFT: "Deleterious"; PolyPhen-2: "Not Available"; Align-GVGD: "Class C0"). In summary, the available evidence is currently insufficient to determine the role of this variant in disease. Therefore, it has been classified as a Variant of Uncertain Significance.

NM_022124.6(CDH23):c.9994G>A (p.Ala3332Thr)

Gene: CDH23 (cadherin related 23; plus strand). Cytogenetic location: 10q22.1.
Variant type: single nucleotide variant.
Coding change: c.9994G>A on transcript NM_022124.6 (MANE Select); coding-DNA position 9994, G replaced by A.
Protein change: p.Ala3332Thr; replaces alanine 3332 with threonine.
Molecular consequence: missense variant.
Genome position (GRCh38, 1-based): chr10:71,815,207, G>A. VCF-style: chr10-71815207-G-A. GRCh37 (hg19) VCF-style: chr10-73574964-G-A.
Other names: c.3274G>A, p.Ala1092Thr (NM_001171933.1); c.3169G>A, p.Ala1057Thr (NM_001171934.1); c.685G>A, p.Ala229Thr (NM_001171935.1); c.580G>A, p.Ala194Thr (NM_001171936.1); short protein forms A1057T, A1092T, A229T, A194T, A3332T.
Identifiers: ClinVar variation 1365632 (VCV001365632.6), dbSNP rs373401356, ClinGen allele CA5547238.
Genomic context (GRCh38, chr10:71,815,207, plus strand): 5'-CTGGAGACGCTGACCGCTGCCGAGGCCACTGCCTTCGAGCGCAACGCCCGCACAGAATCC[G>A]CCAAATCCACACCCCTGCACAAACTTCGCGACGTGATCATGGAGACCCCCCTGGAGATCA-3'
Protein context (NP_071407.4, residues 3322-3342): AFERNARTES[Ala3332Thr]KSTPLHKLRD